The following is an entry in ClinVar:

ClinVar aggregate classification (germline): Pathogenic. Review status: criteria provided, multiple submitters, no conflicts (2 of 4 stars). 2 submissions from 2 submitters: Pathogenic (2). Last evaluated 2023-08-09.

Conditions:
Familial thoracic aortic aneurysm and aortic dissection (TAAD). Also called: Thoracic aortic aneurysms and dissections. Identifiers: Orphanet 91387, MedGen C4707243, MONDO:0019625.

Submissions (2):

Ambry Genetics
Classification: Pathogenic for Familial thoracic aortic aneurysm and aortic dissection. Last evaluated: 2023-08-09. Review status: criteria provided, single submitter. Criteria: Ambry Variant Classification Scheme 2023. Collection method: clinical testing. Allele origin: germline.
Comment: The c.2814delC pathogenic mutation, located in coding exon 23 of the FBN1 gene, results from a deletion of one nucleotide at nucleotide position 2814, causing a translational frameshift with a predicted alternate stop codon (p.S939Vfs*3). This variant is considered to be rare based on population cohorts in the Genome Aggregation Database (gnomAD). This alteration is expected to result in loss of function by premature protein truncation or nonsense-mediated mRNA decay. As such, this alteration is interpreted as a disease-causing mutation.

GeneDx
Classification: Pathogenic. Last evaluated: 2019-09-26. Review status: criteria provided, single submitter. Criteria: GeneDx Variant Classification Process June 2021. Collection method: clinical testing. Allele origin: germline. Affected: yes.
Comment: Has not been previously published as pathogenic or benign to our knowledge; Not observed in large population cohorts (Lek et al., 2016); Frameshift variant predicted to result in protein truncation or nonsense mediated decay in a gene for which loss-of-function is a known mechanism of disease

NM_000138.5(FBN1):c.2814del (p.Ser939fs)

Gene: FBN1 (fibrillin 1; minus strand). Cytogenetic location: 15q21.1.
Variant type: Deletion.
Coding change: c.2814del on transcript NM_000138.5 (MANE Select); coding-DNA position 2814, one base deleted (C; older notation c.2814delC).
Protein change: p.Ser939fs; shifts the reading frame from serine 939.
Molecular consequence: frameshift variant.
Genome position (GRCh38, 1-based): chr15:48,492,501, G deleted on the plus strand (C on the coding strand, the reverse complement: FBN1 is on the minus strand); the first of 3 consecutive G bases (chr15:48,492,501-48,492,503); deleting any one gives the same sequence. VCF-style (leftmost placement, unchanged base first): chr15-48492500-TG-T. GRCh37 (hg19) VCF-style: chr15-48784697-TG-T.
Other names: c.2814delC (NM_000138.4); short protein forms S939fs.
Identifiers: ClinVar variation 430067 (VCV000430067.5), dbSNP rs1131691766, ClinGen allele CA645369635.